The following is an entry in ClinVar:

ClinVar aggregate classification (germline): Pathogenic (1 of 4 stars; one submission).

Conditions:
Developmental and epileptic encephalopathy. Identifiers: MedGen C5779964, MONDO:0100620.

Submission:

Labcorp Genetics (formerly Invitae), Labcorp
Classification: Pathogenic for Early infantile epileptic encephalopathy. Last evaluated: 2018-05-12. Review status: criteria provided, single submitter. Criteria: Invitae Variant Classification Sherloc (09022015). Collection method: clinical testing. Allele origin: germline.
Comment: This sequence change creates a premature translational stop signal (p.Ala889Leufs*5) in the SCN1A gene. It is expected to result in an absent or disrupted protein product. This variant is not present in population databases (ExAC no frequency). This variant has not been reported in the literature in individuals with SCN1A-related disease. Loss-of-function variants in SCN1A are known to be pathogenic (PMID: 17347258, 18930999). For these reasons, this variant has been classified as Pathogenic.

NM_001165963.4(SCN1A):c.2665del (p.Ala889fs)

Gene: SCN1A (sodium voltage-gated channel alpha subunit 1; minus strand). Cytogenetic location: 2q24.3.
Variant type: Deletion.
Coding change: c.2665del on transcript NM_001165963.4 (MANE Select); coding-DNA position 2665, one base deleted (G; older notation c.2665delG).
Protein change: p.Ala889fs; shifts the reading frame from alanine 889.
Molecular consequence: frameshift variant. On other transcripts: non-coding transcript variant (1).
Genome position (GRCh38, 1-based): chr2:166,038,057, C deleted on the plus strand (G on the coding strand, the reverse complement: SCN1A is on the minus strand); the first of 5 consecutive C bases (chr2:166,038,057-166,038,061); deleting any one gives the same sequence. VCF-style (leftmost placement, unchanged base first): chr2-166038056-GC-G. GRCh37 (hg19) VCF-style: chr2-166894566-GC-G.
Other names: c.2581del, p.Ala861fs (NM_001165964.3, NM_001353957.2, NM_001353958.2); c.2665del, p.Ala889fs (NM_001202435.3, NM_001353948.2); c.2632del, p.Ala878fs (NM_001353949.2, NM_001353950.2, NM_001353951.2 and 2 more transcripts); c.2629del, p.Ala877fs (NM_001353954.2, NM_001353955.2); c.2578del, p.Ala860fs (NM_001353960.2); c.223del, p.Ala75fs (NM_001353961.2); short protein forms A877fs, A75fs, A860fs, A878fs, A861fs, A889fs.
Identifiers: ClinVar variation 568302 (VCV000568302.2), dbSNP rs1559200672, ClinGen allele CA891843004.
Genomic context (GRCh38, chr2:166,038,056, plus strand): 5'-ATGCCGACCACGGCAAAAATGAAGACGATGATGGCCAAGACGAGGGTTAAATTTCCCAGA[GC>G]CCCCACGGAATTGCCGATGATCTTTATTAGCATATTTAACGTTGGCCAAGATTTTGCCAA-3'